The following is an entry in ClinVar:

ClinVar aggregate classification (germline): Likely pathogenic. Review status: criteria provided, multiple submitters, no conflicts (2 of 4 stars). 5 submissions from 5 submitters: Likely pathogenic (4). 1 of the submissions does not count toward it. Last evaluated 2026-04-29.

Conditions:
Very long chain acyl-CoA dehydrogenase deficiency (ACADVLD). Also called: VLCAD Deficiency; Very Long-Chain Acyl-Coenzyme A Dehydrogenase Deficiency. Identifiers: Orphanet 26793, MedGen C3887523, MONDO:0008723, OMIM 201475.

Submissions (5):

Myriad Genetics, Inc.
Classification: Likely pathogenic for Very long chain acyl-CoA dehydrogenase deficiency. Last evaluated: 2026-04-29. Review status: criteria provided, single submitter. Criteria: Myriad Autosomal Dominant, Autosomal Recessive and X-Linked Classification Criteria (2023). Collection method: clinical testing. Allele origin: unknown.
Comment: NM_000018.3(ACADVL):c.623-2_623-1delAG is a variant in a canonical splice site classified as likely pathogenic in the context of very-long-chain acyl-CoA dehydrogenase deficiency. c.623-2_623-1delAG has been observed in a case with relevant disease (PMID: 37308883). Relevant functional assessments of this variant are not available in the literature. c.623-2_623-1delAG has not been observed in referenced population frequency databases. In summary, NM_000018.3(ACADVL):c.623-2_623-1delAG is a variant in a canonical splice site in a gene where loss of function is a known mechanism of disease, is predicted to disrupt protein function, and has been observed more frequently in cases with the relevant disease than in healthy populations. Please note: this variant was assessed in the context of healthy population screening.

Labcorp Genetics (formerly Invitae), Labcorp
Classification: Likely pathogenic for Very long chain acyl-CoA dehydrogenase deficiency. Last evaluated: 2026-01-14. Review status: criteria provided, single submitter. Criteria: Invitae Variant Classification Sherloc (09022015). Collection method: clinical testing. Allele origin: germline.
Comment: This sequence change affects a splice site in intron 7 of the ACADVL gene. It is expected to disrupt RNA splicing. Variants that disrupt the donor or acceptor splice site typically lead to a loss of protein function (PMID: 16199547), and loss-of-function variants in ACADVL are known to be pathogenic (PMID: 9973285, 11590124). This variant is not present in population databases (gnomAD no frequency). This variant has not been reported in the literature in individuals affected with ACADVL-related conditions. ClinVar contains an entry for this variant (Variation ID: 555910). Algorithms developed to predict the effect of sequence changes on RNA splicing suggest that this variant may disrupt the consensus splice site. In summary, the currently available evidence indicates that the variant is pathogenic, but additional data are needed to prove that conclusively. Therefore, this variant has been classified as Likely Pathogenic.

Fulgent Genetics
Classification: Likely pathogenic for Very long chain acyl-CoA dehydrogenase deficiency. Last evaluated: 2024-06-11. Review status: criteria provided, single submitter. Criteria: ACMG Guidelines, 2015. Collection method: clinical testing. Allele origin: germline.

Baylor Genetics
Classification: Likely pathogenic for Very long chain acyl-CoA dehydrogenase deficiency. Last evaluated: 2023-09-19. Review status: criteria provided, single submitter. Criteria: ACMG Guidelines, 2015. Collection method: clinical testing. Allele origin: unknown.

Counsyl
Classification: Likely pathogenic for Very long chain acyl-CoA dehydrogenase deficiency. Last evaluated: 2018-01-04. Review status: no assertion criteria provided. Collection method: clinical testing. Allele origin: unknown. Not counted in ClinVar's aggregate classification.

Literature cited by the submitters: PubMed 37308883 (cited by Myriad Genetics, Inc.); PubMed 16199547 (cited by Labcorp Genetics (formerly Invitae), Labcorp); PubMed 9973285 (cited by Labcorp Genetics (formerly Invitae), Labcorp); PubMed 11590124 (cited by Labcorp Genetics (formerly Invitae), Labcorp).

NM_000018.4(ACADVL):c.623-2_623-1del

Gene: ACADVL (acyl-CoA dehydrogenase very long chain; plus strand). Cytogenetic location: 17p13.1.
Variant type: Deletion.
Coding change: c.623-2_623-1del on transcript NM_000018.4 (MANE Select); the canonical splice acceptor site of the intron before coding-DNA position 623, 2 bases deleted (AG; older notation c.623-2_623-1delAG).
Molecular consequence: splice acceptor variant.
Genome position (GRCh38, 1-based): chr17:7,221,950-7,221,951, AG deleted. VCF-style (leftmost placement, unchanged base first): chr17-7221949-CAG-C. GRCh37 (hg19) VCF-style: chr17-7125268-CAG-C.
Other names: c.692-2_692-1del (NM_001270447.2); c.395-2_395-1del (NM_001270448.2); c.557-2_557-1del (NM_001033859.3).
Identifiers: ClinVar variation 555910 (VCV000555910.9), dbSNP rs1555528265, ClinGen allele CA658824838.